The following is an entry in ClinVar:

ClinVar aggregate classification (germline): Conflicting classifications of pathogenicity. Review status: criteria provided, conflicting classifications (1 of 4 stars). 2 submissions from 2 submitters: Uncertain significance (1); Benign (1). Last evaluated 2026-01-15.

Conditions:
Pyruvate carboxylase deficiency. Also called: LEIGH NECROTIZING ENCEPHALOPATHY DUE TO PYRUVATE CARBOXYLASE DEFICIENCY; LEIGH SYNDROME DUE TO PYRUVATE CARBOXYLASE DEFICIENCY; PC DEFICIENCY; ATAXIA WITH LACTIC ACIDOSIS II; Pyruvate Carboxylase Deficiency Disease. Identifiers: Orphanet 3008, MedGen C0034341, MONDO:0009949, OMIM 266150.

Allele frequency attached by ClinVar (database versions not stated): TOPMed 0.00007; ESP Exome Variant Server 0.00008; 1000 Genomes Project 30x 0.00062; 1000 Genomes Project 0.00080; gnomAD exomes 0.00080 and 0.00207; ExAC 0.00113; gnomAD 0.00264.
gnomAD v4.1: 1,392 of 1,564,770 alleles (0.089%); highest among the groups gnomAD compares: Non-Finnish European, 0.011%; 16 homozygotes.

Submissions (2):

Labcorp Genetics (formerly Invitae), Labcorp
Classification: Benign for Pyruvate carboxylase deficiency. Last evaluated: 2026-01-15. Review status: criteria provided, single submitter. Criteria: Invitae Variant Classification Sherloc (09022015). Collection method: clinical testing. Allele origin: germline.

GeneDx
Classification: Uncertain significance. Last evaluated: 2016-05-23. Review status: criteria provided, single submitter. Criteria: GeneDx Variant Classification (06012015). Collection method: clinical testing. Allele origin: germline. Affected: yes.
Comment: c.321+5 G>A: IVS4+5 G>A in intron 4 of the PC gene (NM_000920.3) A variant of unknown significance has been identified in the PC gene. The c.321+5 G>A sequence change has not been published as a mutation, nor has it been reported as a benign polymorphism to our knowledge. The 1000 Genomes Database reports c.321+5 G>A was observed in 3/90 alleles from individuals of Finnish background. In-silico splice predictor models predict that c.321+5 G>A damages the natural splice donor site in intron 4, which would be expected to lead to abnormal gene splicing. However, the true effect of c.321+5 G>A on splicing in vivo is not known. Therefore, based on the currently available information, it is unclear whether c.321+5 G>A is a disease-causing mutation or a rare benign variant. The variant is found in MITONUC-MITOP panel(s).

NM_001040716.2(PC):c.321+5G>A

Gene: PC (pyruvate carboxylase; minus strand). Cytogenetic location: 11q13.2.
Variant type: single nucleotide variant.
Coding change: c.321+5G>A on transcript NM_001040716.2 (MANE Select); 5 bases into the intron after coding-DNA position 321, G replaced by A.
Molecular consequence: intron variant.
Genome position (GRCh38, 1-based): chr11:66,871,682, C>T on the plus strand (G>A on the coding strand, the complement: PC is on the minus strand). VCF-style: chr11-66871682-C-T. GRCh37 (hg19) VCF-style: chr11-66639153-C-T.
Other names: IVS4+5 G>A; c.321+5G>A (NM_000920.4, NM_022172.3).
Identifiers: ClinVar variation 203918 (VCV000203918.12), dbSNP rs200766019, ClinGen allele CA312914.